The following is an entry in ClinVar:

NM_138459.5(NUS1):c.841C>G (p.Leu281Val)

Gene: NUS1 (NUS1 dehydrodolichyl diphosphate synthase subunit; plus strand). Cytogenetic location: 6q22.1.
Variant type: single nucleotide variant.
Coding change: c.841C>G on transcript NM_138459.5 (MANE Select); coding-DNA position 841, C replaced by G.
Protein change: p.Leu281Val; replaces leucine 281 with valine.
Molecular consequence: missense variant.
Genome position (GRCh38, 1-based): chr6:117,706,974, C>G. VCF-style: chr6-117706974-C-G. GRCh37 (hg19) VCF-style: chr6-118028137-C-G.
Other names: short protein forms L281V.
Identifiers: ClinVar variation 4822879 (VCV004822879.4).

ClinVar aggregate classification (germline): Uncertain significance (1 of 4 stars; one submission).

gnomAD v4.1: 2 of 1,612,858 alleles (0.00012%); highest among the groups gnomAD compares: Non-Finnish European, 0.000085%; no homozygotes.

Submission:

CeGaT Center for Human Genetics Tuebingen
Classification: Uncertain significance. Last evaluated: 2026-01-01. Review status: criteria provided, single submitter. Criteria: CeGaT Center For Human Genetics Tuebingen Variant Classification Criteria Version 2. Collection method: clinical testing. Allele origin: germline. Affected: yes. Observed: 1 variant allele.
Comment: NUS1: PM2, PP2, BP4